The following is an entry in ClinVar:

NM_004656.4(BAP1):c.1139G>A (p.Gly380Asp)

Gene: BAP1 (BRCA1 associated deubiquitinase 1; minus strand). Cytogenetic location: 3p21.1.
Variant type: single nucleotide variant.
Coding change: c.1139G>A on transcript NM_004656.4 (MANE Select); coding-DNA position 1139, G replaced by A.
Protein change: p.Gly380Asp; replaces glycine 380 with aspartic acid.
Molecular consequence: missense variant.
Genome position (GRCh38, 1-based): chr3:52,404,564, C>T on the plus strand (G>A on the coding strand, the complement: BAP1 is on the minus strand). VCF-style: chr3-52404564-C-T. GRCh37 (hg19) VCF-style: chr3-52438580-C-T.
Other names: c.1139G>A (NM_004656.2); short protein forms G380D.
Identifiers: ClinVar variation 627847 (VCV000627847.12), dbSNP rs1559587902, ClinGen allele CA353103370.
Genomic context (GRCh38, chr3:52,404,564, plus strand): 5'-TCATCCTCATCATCTGAGTACTGCTGGGGTGGGCGGACTGGAACTCGGCTGCGGCCCACA[C>T]CTGCCGCCAGGTCTTCTTCCTCCTGGGACAAAGACCAGGGCAGTTACAAACAAGTGCTGC-3'
Protein context (NP_004647.1, residues 370-390): PMQEEEDLAA[Gly380Asp]VGRSRVPVRP

ClinVar aggregate classification (germline): Conflicting classifications of pathogenicity. Review status: criteria provided, conflicting classifications (1 of 4 stars). 3 submissions from 3 submitters: Uncertain significance (2); Likely benign (1). Last evaluated 2025-12-02.

Conditions:
BAP1-related tumor predisposition syndrome (TPDS1). Also called: Tumor susceptibility linked to germline BAP1 mutations; TUMOR PREDISPOSITION SYNDROME 1; COMMON Syndrome; BAP1 tumor predisposition syndrome. Identifiers: Orphanet 289539, MedGen C3280492, MONDO:0013692, OMIM 614327.
Hereditary cancer-predisposing syndrome. Also called: Tumor predisposition; Hereditary Cancer Syndrome; Neoplastic Syndromes, Hereditary; Hereditary neoplastic syndrome. Identifiers: Orphanet 140162, MedGen C0027672, MeSH D009386, MONDO:0015356.

Submissions (3):

Ambry Genetics
Classification: Likely benign for Hereditary cancer-predisposing syndrome. Last evaluated: 2025-12-02. Review status: criteria provided, single submitter. Criteria: Ambry Variant Classification Scheme 2023. Collection method: clinical testing. Allele origin: germline.

Color Diagnostics, LLC DBA Color Health
Classification: Uncertain significance for Hereditary cancer-predisposing syndrome. Last evaluated: 2024-03-07. Review status: criteria provided, single submitter. Criteria: ACMG Guidelines, 2015. Collection method: clinical testing. Allele origin: germline.
Comment: This missense variant replaces glycine with aspartic acid at codon 380 of the BAP1 protein. Computational prediction suggests that this variant may not impact protein structure and function (internally defined REVEL score threshold <= 0.5, PMID: 27666373). To our knowledge, functional studies have not been reported for this variant. This variant has not been reported in individuals affected with hereditary cancer in the literature. This variant has not been identified in the general population by the Genome Aggregation Database (gnomAD). The available evidence is insufficient to determine the role of this variant in disease conclusively. Therefore, this variant is classified as a Variant of Uncertain Significance.

Labcorp Genetics (formerly Invitae), Labcorp
Classification: Uncertain significance for BAP1-related tumor predisposition syndrome. Last evaluated: 2023-11-27. Review status: criteria provided, single submitter. Criteria: Invitae Variant Classification Sherloc (09022015). Collection method: clinical testing. Allele origin: germline.
Comment: This sequence change replaces glycine, which is neutral and non-polar, with aspartic acid, which is acidic and polar, at codon 380 of the BAP1 protein (p.Gly380Asp). This variant is not present in population databases (gnomAD no frequency). This variant has not been reported in the literature in individuals affected with BAP1-related conditions. ClinVar contains an entry for this variant (Variation ID: 627847). Advanced modeling of protein sequence and biophysical properties (such as structural, functional, and spatial information, amino acid conservation, physicochemical variation, residue mobility, and thermodynamic stability) performed at Invitae indicates that this missense variant is not expected to disrupt BAP1 protein function with a negative predictive value of 80%. In summary, the available evidence is currently insufficient to determine the role of this variant in disease. Therefore, it has been classified as a Variant of Uncertain Significance.

Literature cited by the submitters: PubMed 38969833 (cited by Ambry Genetics).